The following is an entry in ClinVar:

NM_014762.4(DHCR24):c.781C>T (p.Arg261Trp)

Gene: DHCR24 (24-dehydrocholesterol reductase; minus strand). Cytogenetic location: 1p32.3.
Variant type: single nucleotide variant.
Coding change: c.781C>T on transcript NM_014762.4 (MANE Select); coding-DNA position 781, C replaced by T.
Protein change: p.Arg261Trp; replaces arginine 261 with tryptophan.
Molecular consequence: missense variant.
Genome position (GRCh38, 1-based): chr1:54,871,445, G>A on the plus strand (C>T on the coding strand, the complement: DHCR24 is on the minus strand). VCF-style: chr1-54871445-G-A. GRCh37 (hg19) VCF-style: chr1-55337118-G-A.
Other names: c.781C>T (NM_014762.3); short protein forms R261W.
Identifiers: ClinVar variation 1431927 (VCV001431927.7), dbSNP rs147896894, ClinGen allele CA870731.
Genomic context (GRCh38, chr1:54,871,445, plus strand): 5'-TCATAATGACAGCCTCATCCAGGGAGTAGAGCAGCCCTTCCACGAAGTGGTTCTCCTGCC[G>A]CTGGGACTCGTGGGTGAACTTGGCACAGATAGCCTCCAGGCCCCGCACTGGCTCGAAACG-3'
Protein context (NP_055577.1, residues 251-271): ICAKFTHESQ[Arg261Trp]QENHFVEGLL

ClinVar aggregate classification (germline): Uncertain significance. Review status: criteria provided, multiple submitters, no conflicts (2 of 4 stars). 2 submissions from 2 submitters: Uncertain significance (2). Last evaluated 2023-10-20.

Conditions:
Inborn genetic diseases. Identifiers: MedGen C0950123, MeSH D030342.

Allele frequency attached by ClinVar (database versions not stated): gnomAD exomes 0.00001 and 0.00002; ExAC 0.00002; TOPMed 0.00002; gnomAD 0.00005; ESP Exome Variant Server 0.00008.

Submissions (2):

Ambry Genetics
Classification: Uncertain significance for Inborn genetic diseases. Last evaluated: 2023-10-20. Review status: criteria provided, single submitter. Criteria: Ambry Variant Classification Scheme 2023. Collection method: clinical testing. Allele origin: germline.

Labcorp Genetics (formerly Invitae), Labcorp
Classification: Uncertain significance. Last evaluated: 2022-11-22. Review status: criteria provided, single submitter. Criteria: Invitae Variant Classification Sherloc (09022015). Collection method: clinical testing. Allele origin: germline.
Comment: This sequence change replaces arginine, which is basic and polar, with tryptophan, which is neutral and slightly polar, at codon 261 of the DHCR24 protein (p.Arg261Trp). This variant is present in population databases (rs147896894, gnomAD 0.008%). This variant has not been reported in the literature in individuals affected with DHCR24-related conditions. ClinVar contains an entry for this variant (Variation ID: 1431927). Advanced modeling of protein sequence and biophysical properties (such as structural, functional, and spatial information, amino acid conservation, physicochemical variation, residue mobility, and thermodynamic stability) performed at Invitae indicates that this missense variant is not expected to disrupt DHCR24 protein function. In summary, the available evidence is currently insufficient to determine the role of this variant in disease. Therefore, it has been classified as a Variant of Uncertain Significance.